The following is an entry in ClinVar:

NM_000152.5(GAA):c.1064T>C (p.Leu355Pro)

Gene: GAA (alpha glucosidase; plus strand). Cytogenetic location: 17q25.3.
Variant type: single nucleotide variant.
Coding change: c.1064T>C on transcript NM_000152.5 (MANE Select); coding-DNA position 1064, T replaced by C.
Protein change: p.Leu355Pro; replaces leucine 355 with proline.
Molecular consequence: missense variant.
Genome position (GRCh38, 1-based): chr17:80,108,398, T>C. VCF-style: chr17-80108398-T-C. GRCh37 (hg19) VCF-style: chr17-78082197-T-C.
Other names: c.1064T>C (LRG_673t1); c.1064T>C, p.Leu355Pro (NM_001079803.3, NM_001079804.3); short protein forms L355P.
Identifiers: ClinVar variation 284093 (VCV000284093.37), dbSNP rs766074609, ClinGen allele CA8815136.

ClinVar aggregate classification (germline): Pathogenic. Review status: reviewed by expert panel (3 of 4 stars). 15 submissions from 15 submitters: Pathogenic (1). 14 of the submissions do not count toward it. Last evaluated 2021-09-07.

Conditions:
GAA-related disorders.
Glycogen storage disease, type II (IOPD). Also called: Glucosidase acid-1,4-alpha deficiency; Glycogen storage disease type 2; Acid maltase deficiency disease; Aglucosidase alfa; Deficiency of alpha-glucosidase; Deficiency of lysosomal alpha-glucosidase. Identifiers: Orphanet 365, MedGen C0017921, MONDO:0009290, OMIM 232300.

Allele frequency attached by ClinVar (database versions not stated): ExAC 0.00001; gnomAD exomes 0.00001; TOPMed 0.00001.
gnomAD v4.1: 7 of 1,613,408 alleles (0.00043%); highest among the groups gnomAD compares: Middle Eastern, 0.016%; no homozygotes.

Submissions 1 to 9 of 15:

ClinGen Lysosomal Storage Disorder Variant Curation Expert Panel
Classification: Pathogenic for Glycogen storage disease, type II. Last evaluated: 2021-09-07. Review status: reviewed by expert panel. Criteria: clingen_lsd_acmg_specifications_v2-1. Collection method: curation. Allele origin: germline. Inheritance: Autosomal recessive inheritance.
Comment: The NM_000152.5:c.1064T>C variant in GAA is a missense variant predicted to cause substitution of leucine to proline at amino acid 355 (p.Leu355Pro). This variant has been reported in over 20 individuals with Pompe disease including at least 9 individuals with documented laboratory values showing GAA deficiency (PP4_Moderate) (PMIDs 14972326, 17213836, 17723315, 17213836, 23632174, 24016645, 30595407)(PP4_Moderate). The variant is homozygous in multiple patients (PMIDs 14972326, 16917947, 17213836, 17573812, 17723315, 18429042, 22658377, 23787031, 24016645, 30023291, 33325062). Three individuals are compound heterozygous for the variant and another variant that has been assessed as pathogenic by the ClinGen LSD VCEP; c.-32-13T>G in two patients (PMIDs 17643989, 21803581), and confirmed in trans with c.670C>T (p.Arg224Trp) in another patient (PMID 23632174; (PM3_Strong). p.Leu355Pro has also been reported in individuals with Pompe disease who are compound heterozygous for c.2041-2A>C (PMID 33325062), c.2303C>G (p.Pro768Arg) (PMID 17027861), c.1210G>A (p.Asp404Asn) (PMID 22658377, 23787031), c.1120T>C (p.Cys374Arg) (PMID 14695532), c.1927G>A (p.Gly643Arg) (PMID 18429042), c.1106T >C (p.Leu369Pro) (PMID 23430493), and c.380G>T (p.Cys127Phe) (PMID 24016645). The in trans data from these patients will be used in the assessment of the other variant and was not included here in order to avoid circular logic. The highest population minor allele frequency in gnomAD v2.1.1 is 0.00003 (1/34580) in the Latino population, which is lower than the ClinGen LSD VCEP’s threshold for PM2_Supporting (<0.001), meeting this criterion (PM2_Supporting). When expressed in COS cells, this variant results in absent GAA activity, and there is evidence of abnormal synthesis and processing of GAA on Western blot (PMIDs 14695532, 14972326, 19862843) (PS3_Moderate). The computational predictor REVEL gives a score of 0.805 which is above the threshold of 0.7, evidence that correlates with impact to GAA function (PP3). There is a ClinVar entry for this variant (Variation ID: 284093, 2 star review status) with four submitters each classifying the variant as pathogenic. In summary, this variant meets the criteria to be classified as pathogenic for Pompe disease. GAA-specific ACMG/AMP criteria applied, as specified by the ClinGen LSD VCEP (Specifications Version 2.0): PM3_Strong, PS3_Moderate, PP4_Moderate, PP3, PM2_Supporting. (Classification approved August 17, 2021)

Genomenon, Inc
Classification: Pathogenic for Glycogen storage disease, type II. Last evaluated: 2026-07-01. Review status: criteria provided, single submitter. Criteria: Genomenon Sequence Variant Interpretation Standards - Updated. Collection method: curation. Allele origin: germline. Affected: yes. Not counted in ClinVar's aggregate classification.
Comment: GAA p.Leu355Pro (c.1064T>C) is a missense variant that changes the amino acid at codon 355 from Leucine to Proline. This variant has been observed in at least one proband with a GAA-related disorder in the compound heterozygous and/or homozygous state (PMID:39020349;38958145;34834457;33228748;31545528;31193175;30314719;29356433;30595407;30023291). At least one functional study has demonstrated a substantial alteration in protein function relative to the wild-type (PMID:14695532;19862843). It is absent or not present at a significant frequency in gnomAD. In silico models predict that this variant is possibly or probably damaging. In conclusion, we classify GAA p.Leu355Pro (c.1064T>C) as a pathogenic variant.

3billion
Classification: Pathogenic for Glycogen storage disease, type II. Last evaluated: 2026-01-23. Review status: criteria provided, single submitter. Criteria: ACMG Guidelines, 2015. Collection method: clinical testing. Allele origin: germline. Affected: yes. Not counted in ClinVar's aggregate classification.
Comment: The variant is observed at an extremely low frequency in the gnomAD v4.1.0 dataset (total allele frequency: <0.001%). Predicted Consequence/Location: Missense variant Functional studies provide moderate evidence of the variant having a damaging effect on the gene or gene product (PMID: 14695532, 14972326, 19862843). In silico tool predictions suggest damaging effect of the variant on gene or gene product [REVEL: 0.81 (>=0.6, sensitivity 0.68 and specificity 0.92); 3Cnet: 0.85 (> 0.75, sensitivity 0.96 and precision 0.92)]. The same nucleotide change resulting in the same amino acid change has been previously reported as pathogenic/likely pathogenic with strong evidence (ClinVar ID: VCV000284093 /PMID: 14695532 /3billion dataset). The variant has been reported to be in trans with a pathogenic variant as either compound heterozygous or homozygous in at least 2 similarly affected unrelated individuals (N/A). Therefore, this variant is classified as Pathogenic according to the recommendation of ACMG/AMP guideline.

Natera, Inc.
Classification: Pathogenic for Glycogen storage disease type II. Last evaluated: 2025-10-23. Review status: criteria provided, single submitter. Criteria: Natera Variant Classification Schema (03/2026). Collection method: clinical testing. Allele origin: germline. Not counted in ClinVar's aggregate classification.
Comment: The c.1064T>C variant in GAA is a missense variant predicted to cause substitution of leucine to proline at amino acid 355. This variant is rare in the general population with a frequency below the threshold expected for the associated phenotype(s). This variant has been observed in one or more individuals affected with the associated recessive disease, as either homozygous or compound heterozygous with a second variant (PMID: 18429042, 23430493). Given the available evidence, this variant is classified as Pathogenic.

Labcorp Genetics (formerly Invitae), Labcorp
Classification: Pathogenic for Glycogen storage disease, type II. Last evaluated: 2025-03-11. Review status: criteria provided, single submitter. Criteria: Invitae Variant Classification Sherloc (09022015). Collection method: clinical testing. Allele origin: germline. Not counted in ClinVar's aggregate classification.
Comment: This sequence change replaces leucine, which is neutral and non-polar, with proline, which is neutral and non-polar, at codon 355 of the GAA protein (p.Leu355Pro). This variant is present in population databases (rs766074609, gnomAD 0.003%). This missense change has been observed in individual(s) with Pompe disease (PMID: 14695532, 14972326, 18429042, 23430493, 23632174). In at least one individual the data is consistent with being in trans (on the opposite chromosome) from a pathogenic variant. ClinVar contains an entry for this variant (Variation ID: 284093). Invitae Evidence Modeling of protein sequence and biophysical properties (such as structural, functional, and spatial information, amino acid conservation, physicochemical variation, residue mobility, and thermodynamic stability) indicates that this missense variant is expected to disrupt GAA protein function with a positive predictive value of 95%. Experimental studies have shown that this missense change affects GAA function (PMID: 14695532, 14972326). For these reasons, this variant has been classified as Pathogenic.

GeneDx
Classification: Pathogenic. Last evaluated: 2024-08-20. Review status: criteria provided, single submitter. Criteria: GeneDx Variant Classification Process June 2021. Collection method: clinical testing. Allele origin: germline. Affected: yes. Not counted in ClinVar's aggregate classification.
Comment: Published functional studies found this variant is associated with significantly reduced enzyme activity (PMID: 14695532, 14972326); Not observed at significant frequency in large population cohorts (gnomAD); In silico analysis indicates that this missense variant does not alter protein structure/function; This variant is associated with the following publications: (PMID: 24016645, 14972326, 34530085, 23632174, 29422078, 18429042, 17643989, 30314719, 31589614, 14695532, 23430493, 23787031, 38958145, 39020349)

Fulgent Genetics
Classification: Pathogenic for Glycogen storage disease, type II. Last evaluated: 2024-05-06. Review status: criteria provided, single submitter. Criteria: ACMG Guidelines, 2015. Collection method: clinical testing. Allele origin: germline. Not counted in ClinVar's aggregate classification.

Baylor Genetics
Classification: Pathogenic for Glycogen storage disease, type II. Last evaluated: 2023-08-29. Review status: criteria provided, single submitter. Criteria: ACMG Guidelines, 2015. Collection method: clinical testing. Allele origin: unknown. Not counted in ClinVar's aggregate classification.

Dasa
Classification: Pathogenic for Glycogen storage disease, type II. Last evaluated: 2022-01-05. Review status: criteria provided, single submitter. Criteria: ACMG Guidelines, 2015. Collection method: clinical testing. Allele origin: germline. Affected: yes. Observed: 1 variant allele. Not counted in ClinVar's aggregate classification.
Comment: The c.1064T>C;p.(Leu355Pro) missense variant has been observed in affected individual(s) and ClinVar contains an entry for this variant (Clinvar ID: 284093; PMID: 14695532; 14972326; 24016645; 23787031; 23632174; 23430493) -.PS4. Well-established in vitro or in vivo functional studies support a damaging effect on the gene or gene product (PMID: 14972326) - PS3_supporting. The variant is present at low allele frequencies population databases (rs766074609– gnomAD 0.00007972%; ABraOM no frequency) - PM2_supporting. The p.(Leu355Pro) was detected in trans with a pathogenic variant (PMID: 14695532; 14972326; 24016645; 23787031; 23632174; 23430493) - PM3_strong. Multiple lines of computational evidence support a deleterious effect on the gene or gene product - PP3. In summary, the currently available evidence indicates that the variant is pathogenic.